The following is an entry in ClinVar:

ClinVar aggregate classification (germline): Uncertain significance (1 of 4 stars; one submission).

Conditions:
Saldino-Mainzer syndrome (SRTD9). Also called: CONORENAL SYNDROME; Renal dysplasia, retinal pigmentary dystrophy, cerebellar ataxia and skeletal dysplasia; SHORT-RIB THORACIC DYSPLASIA 9 WITHOUT POLYDACTYLY; short-rib thoracic dysplasia 9 with or without polydactyly. Identifiers: Orphanet 140969, MedGen C1849437, MONDO:0009964, OMIM 266920.

Submission:

Labcorp Genetics (formerly Invitae), Labcorp
Classification: Uncertain significance for Saldino-Mainzer syndrome. Last evaluated: 2025-12-22. Review status: criteria provided, single submitter. Criteria: Invitae Variant Classification Sherloc (09022015). Collection method: clinical testing. Allele origin: germline.
Comment: This sequence change replaces alanine, which is neutral and non-polar, with serine, which is neutral and polar, at codon 31 of the IFT140 protein (p.Ala31Ser). This variant is present in population databases (no rsID available, gnomAD 0.003%). This variant has not been reported in the literature in individuals affected with IFT140-related conditions. Invitae Evidence Modeling of protein sequence and biophysical properties (such as structural, functional, and spatial information, amino acid conservation, physicochemical variation, residue mobility, and thermodynamic stability) has been performed for this missense variant. However, the output from this modeling did not meet the statistical confidence thresholds required to predict the impact of this variant on IFT140 protein function. In summary, the available evidence is currently insufficient to determine the role of this variant in disease. Therefore, it has been classified as a Variant of Uncertain Significance.

NM_014714.4(IFT140):c.91G>T (p.Ala31Ser)

Genes: IFT140 (intraflagellar transport 140; minus strand), LOC105371046 (uncharacterized LOC105371046; plus strand). Cytogenetic location: 16p13.3.
Variant type: single nucleotide variant.
Coding change: c.91G>T on transcript NM_014714.4 (MANE Select); coding-DNA position 91, G replaced by T.
Protein change: p.Ala31Ser; replaces alanine 31 with serine.
Molecular consequence: missense variant.
Genome position (GRCh38, 1-based): chr16:1,607,176, C>A on the plus strand (G>T on the coding strand, the complement: IFT140 is on the minus strand). VCF-style: chr16-1607176-C-A. GRCh37 (hg19) VCF-style: chr16-1657177-C-A.
Other names: short protein forms A31S.
Identifiers: ClinVar variation 4752683 (VCV004752683.1).
Genomic context (GRCh38, chr16:1,607,176, plus strand): 5'-TCACTTGCTCCAGGTAAATATCCACGCTGCCTGTTGAGGTTGTGCTGATGTAAGCAACTG[C>A]CAAGAATGGATGGACAGGGTGCCAGCTGATAAATGAGGGTGACCCTGCTGCATCCGGGGC-3'
Protein context (NP_055529.2, residues 21-41): ISWHPVHPFL[Ala31Ser]VAYISTTSTG